The following is an entry in ClinVar:

ClinVar aggregate classification (germline): Uncertain significance (1 of 4 stars; one submission).

Conditions:
Wilson disease (WND). Also called: Wilson's disease. Identifiers: Orphanet 905, MedGen C0019202, MONDO:0010200, OMIM 277900. Disease mechanism: loss of function.

Allele frequency attached by ClinVar (database versions not stated): gnomAD exomes 0.00002.
gnomAD v4.1: 23 of 1,612,390 alleles (0.0014%); highest among the groups gnomAD compares: Non-Finnish European, 0.002%; no homozygotes.

Submission:

All of Us Research Program, National Institutes of Health
Classification: Uncertain significance for Wilson disease. Last evaluated: 2024-07-31. Review status: criteria provided, single submitter. Criteria: ACMG Guidelines, 2015. Collection method: clinical testing. Allele origin: germline. Inheritance: Autosomal recessive inheritance. Observed: 3 variant alleles, 3 heterozygotes.
Comment: This missense variant replaces histidine with asparagine at codon 200 of the ATP7B protein. Computational prediction suggests that this variant may not impact protein structure and function (internally defined REVEL score threshold <= 0.5, PMID: 27666373). To our knowledge, functional studies have not been reported for this variant. This variant has not been reported in individuals affected with ATP7B-related disorders in the literature. This variant has not been identified in the general population by the Genome Aggregation Database (gnomAD). The available evidence is insufficient to determine the role of this variant in disease conclusively. Therefore, this variant is classified as a Variant of Uncertain Significance.

This study involves interpretation of variants in research participants for the purpose of population health screening. Participant phenotype was not available at the time of variant classification. Additional details can be found in publication PMID: 35346344, PMCID: PMC8962531

NM_000053.4(ATP7B):c.598C>A (p.His200Asn)

Gene: ATP7B (ATPase copper transporting beta; minus strand). Cytogenetic location: 13q14.3.
Variant type: single nucleotide variant.
Coding change: c.598C>A on transcript NM_000053.4 (MANE Select); coding-DNA position 598, C replaced by A.
Protein change: p.His200Asn; replaces histidine 200 with asparagine.
Molecular consequence: missense variant.
Genome position (GRCh38, 1-based): chr13:51,974,622, G>T on the plus strand (C>A on the coding strand, the complement: ATP7B is on the minus strand). VCF-style: chr13-51974622-G-T. GRCh37 (hg19) VCF-style: chr13-52548758-G-T.
Other names: c.598C>A, p.His200Asn (NM_001005918.3, NM_001406519.1, NM_001406520.1 and 30 more transcripts); c.502C>A, p.His168Asn (NM_001406517.1, NM_001406518.1, NM_001406530.1 and 4 more transcripts); short protein forms H168N, H200N.
Identifiers: ClinVar variation 3069920 (VCV003069920.2), dbSNP rs1952014197, ClinGen allele CA388042425.